The following is an entry in ClinVar:

ClinVar aggregate classification (germline): Likely benign. Review status: criteria provided, multiple submitters, no conflicts (2 of 4 stars). 2 submissions from 2 submitters: Likely benign (2). Last evaluated 2025-03-18.

Conditions:
ARID2-related disorder. Also called: ARID2-related condition.

Allele frequency attached by ClinVar (database versions not stated): gnomAD exomes below 0.00001 and 0.00001; ExAC 0.00002; TOPMed 0.00002.
gnomAD v4.1: 3 of 1,614,156 alleles (0.00019%); highest among the groups gnomAD compares: East Asian, 0.0022%; no homozygotes.

Submissions (2):

PreventionGenetics, part of Exact Sciences
Classification: Likely benign for ARID2-related condition. Last evaluated: 2025-03-18. Review status: criteria provided, single submitter. Criteria: ACMG Guidelines, 2015. Collection method: clinical testing. Allele origin: germline.
Comment: This variant is classified as likely benign based on ACMG/AMP sequence variant interpretation guidelines (Richards et al. 2015 PMID: 25741868, with internal and published modifications).

Labcorp Genetics (formerly Invitae), Labcorp
Classification: Likely benign. Last evaluated: 2018-06-15. Review status: criteria provided, single submitter. Criteria: Invitae Variant Classification Sherloc (09022015). Collection method: clinical testing. Allele origin: germline.

NM_152641.4(ARID2):c.2097A>G (p.Pro699=)

Gene: ARID2 (AT-rich interaction domain 2; plus strand). Cytogenetic location: 12q12.
Variant type: single nucleotide variant.
Coding change: c.2097A>G on transcript NM_152641.4 (MANE Select); coding-DNA position 2097, A replaced by G.
Protein change: p.Pro699=; no amino-acid change (proline 699 retained).
Molecular consequence: synonymous variant.
Genome position (GRCh38, 1-based): chr12:45,850,220, A>G. VCF-style: chr12-45850220-A-G. GRCh37 (hg19) VCF-style: chr12-46244003-A-G.
Other names: c.2097A>G, p.Pro699= (NM_001347839.2); c.2097A>G (NM_152641.3).
Identifiers: ClinVar variation 752875 (VCV000752875.4), dbSNP rs751006445, ClinGen allele CA6526283.
Genomic context (GRCh38, chr12:45,850,220, plus strand): 5'-AACTGTTTCAAGAATTCCACAAAATCCTTCACCTCATACCCACCAGCAACAAAATGCTCC[A>G]GTGACTGTCATTCAAAGTAAAGCTCCAATTCCTTGTGAAGTTGTTAAGGCTACAGTTATC-3'
Protein context (NP_689854.2, residues 689-709): SPHTHQQQNA[Pro699=]VTVIQSKAPI